The following is an entry in ClinVar:

NM_001734.5(C1S):c.1974G>C (p.Gln658His)

Gene: C1S (complement C1s; plus strand). Cytogenetic location: 12p13.31.
Variant type: single nucleotide variant.
Coding change: c.1974G>C on transcript NM_001734.5 (MANE Select); coding-DNA position 1974, G replaced by C.
Protein change: p.Gln658His; replaces glutamine 658 with histidine.
Molecular consequence: missense variant.
Genome position (GRCh38, 1-based): chr12:7,070,558, G>C. VCF-style: chr12-7070558-G-C. GRCh37 (hg19) VCF-style: chr12-7177862-G-C.
Other names: c.1473G>C, p.Gln491His (NM_001346850.2); c.1974G>C, p.Gln658His (NM_201442.4); short protein forms Q491H, Q658H.
Identifiers: ClinVar variation 4743946 (VCV004743946.1).

ClinVar aggregate classification (germline): Uncertain significance (1 of 4 stars; one submission).

Submission:

Labcorp Genetics (formerly Invitae), Labcorp
Classification: Uncertain significance. Last evaluated: 2025-08-15. Review status: criteria provided, single submitter. Criteria: Invitae Variant Classification Sherloc (09022015). Collection method: clinical testing. Allele origin: germline.
Comment: This sequence change replaces glutamine, which is neutral and polar, with histidine, which is basic and polar, at codon 658 of the C1S protein (p.Gln658His). This variant is not present in population databases (gnomAD no frequency). This variant has not been reported in the literature in individuals affected with C1S-related conditions. Invitae Evidence Modeling of protein sequence and biophysical properties (such as structural, functional, and spatial information, amino acid conservation, physicochemical variation, residue mobility, and thermodynamic stability) indicates that this missense variant is not expected to disrupt C1S protein function with a negative predictive value of 80%. In summary, the available evidence is currently insufficient to determine the role of this variant in disease. Therefore, it has been classified as a Variant of Uncertain Significance.